The following is an entry in ClinVar:

NM_032242.4(PLXNA1):c.3026G>A (p.Arg1009His)

Gene: PLXNA1 (plexin A1; plus strand). Cytogenetic location: 3q21.3.
Variant type: single nucleotide variant.
Coding change: c.3026G>A on transcript NM_032242.4 (MANE Select); coding-DNA position 3026, G replaced by A.
Protein change: p.Arg1009His; replaces arginine 1009 with histidine.
Molecular consequence: missense variant.
Genome position (GRCh38, 1-based): chr3:127,016,528, G>A. VCF-style: chr3-127016528-G-A. GRCh37 (hg19) VCF-style: chr3-126735371-G-A.
Other names: short protein forms R1009H.
Identifiers: ClinVar variation 3934756 (VCV003934756.2).

ClinVar aggregate classification (germline): Uncertain significance. Review status: criteria provided, multiple submitters, no conflicts (2 of 4 stars). 2 submissions from 2 submitters: Uncertain significance (2). Last evaluated 2025-10-29.

Conditions:
PLXNA1-related disorder. Also called: PLXNA1-related condition.

gnomAD v4.1: 27 of 1,613,518 alleles (0.0017%); highest among the groups gnomAD compares: African/African-American, 0.004%; no homozygotes.

Submissions (2):

PreventionGenetics, part of Exact Sciences
Classification: Uncertain significance for PLXNA1-related condition. Last evaluated: 2025-10-29. Review status: criteria provided, single submitter. Criteria: ACMG Guidelines, 2015. Collection method: clinical testing. Allele origin: germline.
Comment: The PLXNA1 c.3026G>A variant is predicted to result in the amino acid substitution p.Arg1009His. To our knowledge, this variant has not been reported in the literature. This variant is reported in 0.0054% of alleles in individuals of European (Non-Finnish) descent in gnomAD. At this time, the clinical significance of this variant is uncertain due to the absence of conclusive functional and genetic evidence.

Ambry Genetics
Classification: Uncertain significance. Last evaluated: 2025-05-19. Review status: criteria provided, single submitter. Criteria: Ambry Variant Classification Scheme 2023. Collection method: clinical testing. Allele origin: germline.